The following is an entry in ClinVar:

NM_004092.4(ECHS1):c.462C>T (p.Ala154=)

Gene: ECHS1 (enoyl-CoA hydratase, short chain 1; minus strand). Cytogenetic location: 10q26.3.
Variant type: single nucleotide variant.
Coding change: c.462C>T on transcript NM_004092.4 (MANE Select); coding-DNA position 462, C replaced by T.
Protein change: p.Ala154=; no amino-acid change (alanine 154 retained).
Molecular consequence: synonymous variant.
Genome position (GRCh38, 1-based): chr10:133,368,975, G>A on the plus strand (C>T on the coding strand, the complement: ECHS1 is on the minus strand). VCF-style: chr10-133368975-G-A. GRCh37 (hg19) VCF-style: chr10-135182479-G-A.
Other names: c.462C>T (NM_004092.3).
Identifiers: ClinVar variation 1595228 (VCV001595228.37), dbSNP rs368985189, ClinGen allele CA5765766.

ClinVar aggregate classification (germline): Likely benign. Review status: criteria provided, multiple submitters, no conflicts (2 of 4 stars). 4 submissions from 4 submitters: Likely benign (3). 1 of the submissions does not count toward it. Last evaluated 2025-06-22.

Conditions:
ECHS1-related disorder. Also called: ECHS1-related condition.

Allele frequency attached by ClinVar (database versions not stated): ExAC 0.00004; ESP Exome Variant Server 0.00008; gnomAD exomes 0.00008 and 0.00011; TOPMed 0.00008; gnomAD 0.00010.
gnomAD v4.1: 179 of 1,613,552 alleles (0.011%); highest among the groups gnomAD compares: Non-Finnish European, 0.013%; no homozygotes.

Submissions (4):

Labcorp Genetics (formerly Invitae), Labcorp
Classification: Likely benign. Last evaluated: 2025-06-22. Review status: criteria provided, single submitter. Criteria: Invitae Variant Classification Sherloc (09022015). Collection method: clinical testing. Allele origin: germline.

Blueprint Genetics
Classification: Likely benign. Last evaluated: 2024-09-10. Review status: criteria provided, single submitter. Criteria: ACMG Guidelines, 2015. Collection method: clinical testing. Allele origin: germline.

CeGaT Center for Human Genetics Tuebingen
Classification: Likely benign. Last evaluated: 2023-04-01. Review status: criteria provided, single submitter. Criteria: CeGaT Center For Human Genetics Tuebingen Variant Classification Criteria Version 2. Collection method: clinical testing. Allele origin: germline. Affected: yes. Observed: 1 variant allele.
Comment: ECHS1: BP4, BP7

PreventionGenetics, part of Exact Sciences
Classification: Likely benign for ECHS1-related condition. Last evaluated: 2019-11-07. Review status: no assertion criteria provided. Collection method: clinical testing. Allele origin: germline. Not counted in ClinVar's aggregate classification.
Comment: This variant is classified as likely benign based on ACMG/AMP sequence variant interpretation guidelines (Richards et al. 2015 PMID: 25741868, with internal and published modifications).